The following is an entry in ClinVar:

NM_001852.4(COL9A2):c.838G>A (p.Gly280Ser)

Gene: COL9A2 (collagen type IX alpha 2 chain; minus strand). Cytogenetic location: 1p34.2.
Variant type: single nucleotide variant.
Coding change: c.838G>A on transcript NM_001852.4 (MANE Select); coding-DNA position 838, G replaced by A.
Protein change: p.Gly280Ser; replaces glycine 280 with serine.
Molecular consequence: missense variant.
Genome position (GRCh38, 1-based): chr1:40,309,946, C>T on the plus strand (G>A on the coding strand, the complement: COL9A2 is on the minus strand). VCF-style: chr1-40309946-C-T. GRCh37 (hg19) VCF-style: chr1-40775618-C-T.
Other names: short protein forms G280S.
Identifiers: ClinVar variation 1370897 (VCV001370897.7), dbSNP rs998769775, ClinGen allele CA21041937.

ClinVar aggregate classification (germline): Uncertain significance. Review status: criteria provided, multiple submitters, no conflicts (2 of 4 stars). 2 submissions from 2 submitters: Uncertain significance (2). Last evaluated 2024-05-08.

Allele frequency attached by ClinVar (database versions not stated): gnomAD exomes below 0.00001; TOPMed 0.00001.
gnomAD v4.1: 1 of 1,613,868 alleles (0.000062%); highest among the groups gnomAD compares: African/African-American, 0.0013%; no homozygotes.

Submissions (2):

Labcorp Genetics (formerly Invitae), Labcorp
Classification: Uncertain significance. Last evaluated: 2024-05-08. Review status: criteria provided, single submitter. Criteria: Invitae Variant Classification Sherloc (09022015). Collection method: clinical testing. Allele origin: germline.
Comment: This sequence change replaces glycine, which is neutral and non-polar, with serine, which is neutral and polar, at codon 280 of the COL9A2 protein (p.Gly280Ser). This variant is not present in population databases (gnomAD no frequency). This variant has not been reported in the literature in individuals affected with COL9A2-related conditions. ClinVar contains an entry for this variant (Variation ID: 1370897). Advanced modeling of protein sequence and biophysical properties (such as structural, functional, and spatial information, amino acid conservation, physicochemical variation, residue mobility, and thermodynamic stability) performed at Invitae indicates that this missense variant is expected to disrupt COL9A2 protein function with a positive predictive value of 95%. In summary, the available evidence is currently insufficient to determine the role of this variant in disease. Therefore, it has been classified as a Variant of Uncertain Significance.

Blueprint Genetics
Classification: Uncertain significance. Last evaluated: 2021-10-25. Review status: criteria provided, single submitter. Criteria: ACMG Guidelines, 2015. Collection method: clinical testing. Allele origin: germline.